The following is an entry in ClinVar:

ClinVar aggregate classification (germline): Likely benign (1 of 4 stars; one submission).

gnomAD v4.1: 11 of 1,614,136 alleles (0.00068%); highest among the groups gnomAD compares: South Asian, 0.0055%; no homozygotes.

Submission:

CeGaT Center for Human Genetics Tuebingen
Classification: Likely benign. Last evaluated: 2025-06-01. Review status: criteria provided, single submitter. Criteria: CeGaT Center For Human Genetics Tuebingen Variant Classification Criteria Version 2. Collection method: clinical testing. Allele origin: germline. Affected: yes. Observed: 1 variant allele.
Comment: TRIM16: BP4, BP7

NM_001348119.1(TRIM16):c.1335C>T (p.Thr445=)

Gene: TRIM16 (tripartite motif containing 16; minus strand). Cytogenetic location: 17p12.
Variant type: single nucleotide variant.
Coding change: c.1335C>T on transcript NM_001348119.1 (MANE Select); coding-DNA position 1335, C replaced by T.
Protein change: p.Thr445=; no amino-acid change (threonine 445 retained).
Molecular consequence: synonymous variant.
Genome position (GRCh38, 1-based): chr17:15,628,975, G>A on the plus strand (C>T on the coding strand, the complement: TRIM16 is on the minus strand). VCF-style: chr17-15628975-G-A. GRCh37 (hg19) VCF-style: chr17-15532289-G-A.
Other names: c.1335C>T, p.Thr445= (NM_001348120.1, NM_006470.4); c.945C>T, p.Thr315= (NM_001348121.1, NM_001348122.1); c.687C>T, p.Thr229= (NM_001348124.1, NM_001348125.1); c.849C>T, p.Thr283= (NM_001348126.1).
Identifiers: ClinVar variation 3905081 (VCV003905081.10).